The following is an entry in ClinVar:

ClinVar aggregate classification (germline): Uncertain significance (1 of 4 stars; one submission).

Conditions:
Syndromic X-linked intellectual disability 94 (MRXSW). Also called: MENTAL RETARDATION, X-LINKED, SYNDROMIC 29; X-linked intellectual disability due to GRIA3 anomalies. Identifiers: Orphanet 364028, MedGen C2678051, MONDO:0010402, OMIM 300699.

Submission:

Victorian Clinical Genetics Services, Murdoch Childrens Research Institute
Classification: Uncertain significance for Syndromic X-linked intellectual disability 94. Last evaluated: 2023-07-17. Review status: criteria provided, single submitter. Criteria: ACMG Guidelines, 2015. Collection method: clinical testing. Allele origin: germline. Inheritance: X-linked recessive inheritance. Affected: yes.
Comment: Based on the classification scheme VCGS_Germline_v1.3.4, this variant is classified as VUS-3A. Following criteria are met: 0102 - Loss of function is a known mechanism of disease in this gene and is associated with Wu type X-linked syndromic intellectual developmental disorder (MIM#300699). (I) 0109 - This gene is associated with X-linked recessive disease. (I) 0115 - Variants in this gene are known to have variable expressivity (PMID: 32977175). (I) 0200 - Variant is predicted to result in a missense amino acid change from alanine to threonine. (I) 0253 - This variant is hemizygous. (I) 0301 - Variant is absent from gnomAD (both v2 and v3). (SP) 0502 - Missense variant with conflicting in silico predictions and high conservation. (I) 0600 - Variant is located in the annotated ANF receptor domain (DECIPHER). (I) 0705 - No comparable missense variants have previous evidence for pathogenicity. (I) 0803 - This variant has limited previous evidence of pathogenicity in an unrelated individual. This variant has been observed as hemizygous in one individual with intellectual disability and epilepsy (PMID: 31780880). (SP) 0905 - No published segregation evidence has been identified for this variant. (I) 1007 - No published functional evidence has been identified for this variant. (I) Legend: (SP) - Supporting pathogenic, (I) - Information, (SB) - Supporting benign

Literature cited by the submitters: PubMed 31780880; PubMed 32977175.

NM_007325.5(GRIA3):c.793G>A (p.Ala265Thr)

Gene: GRIA3 (glutamate ionotropic receptor AMPA type subunit 3; plus strand). Cytogenetic location: Xq25.
Variant type: single nucleotide variant.
Coding change: c.793G>A on transcript NM_007325.5 (MANE Select); coding-DNA position 793, G replaced by A.
Protein change: p.Ala265Thr; replaces alanine 265 with threonine.
Molecular consequence: missense variant.
Genome position (GRCh38, 1-based): chrX:123,395,010, G>A. VCF-style: chrX-123395010-G-A. GRCh37 (hg19) VCF-style: chrX-122528861-G-A.
Other names: c.793G>A, p.Ala265Thr (NM_000828.5); short protein forms A265T.
Identifiers: ClinVar variation 3255159 (VCV003255159.1), dbSNP rs2521145381.